The following is an entry in ClinVar:

NM_000392.5(ABCC2):c.3533del (p.His1178fs)

Gene: ABCC2 (ATP binding cassette subfamily C member 2; plus strand). Cytogenetic location: 10q24.2.
Variant type: Deletion.
Coding change: c.3533del on transcript NM_000392.5 (MANE Select); coding-DNA position 3533, one base deleted (A; older notation c.3533delA).
Protein change: p.His1178fs; shifts the reading frame from histidine 1178.
Molecular consequence: frameshift variant.
Genome position (GRCh38, 1-based): chr10:99,836,209, A deleted. VCF-style (leftmost placement, unchanged base first): chr10-99836208-CA-C. GRCh37 (hg19) VCF-style: chr10-101595965-CA-C.
Other names: short protein forms H1178fs.
Identifiers: ClinVar variation 2757494 (VCV002757494.3), dbSNP rs2493023041, ClinGen allele CA2697558683.
Genomic context (GRCh38, chr10:99,836,208, plus strand): 5'-CCAATCTACTCTCACTTCAGCGAGACCGTATCAGGTTTGCCAGTTATCCGTGCCTTTGAG[CA>C]CCAGCAGCGATTTCTGAAACACAATGAGGTGAGGATTGACACCAACCAGAAATGTGTCTT-3'

ClinVar aggregate classification (germline): Pathogenic (1 of 4 stars; one submission).

Submission:

Labcorp Genetics (formerly Invitae), Labcorp
Classification: Pathogenic. Last evaluated: 2023-09-03. Review status: criteria provided, single submitter. Criteria: Invitae Variant Classification Sherloc (09022015). Collection method: clinical testing. Allele origin: germline.
Comment: For these reasons, this variant has been classified as Pathogenic. This variant has not been reported in the literature in individuals affected with ABCC2-related conditions. This variant is not present in population databases (gnomAD no frequency). This sequence change creates a premature translational stop signal (p.His1178Profs*6) in the ABCC2 gene. It is expected to result in an absent or disrupted protein product. Loss-of-function variants in ABCC2 are known to be pathogenic (PMID: 9185779, 16549534, 16952291).

Literature cited by the submitters: PubMed 9185779; PubMed 16549534; PubMed 16952291.